The following is an entry in ClinVar:

NC_000006.11:g.(?_32810848)_(32811339_?)del

Gene: PSMB8 (proteasome 20S subunit beta 8; minus strand). Cytogenetic location: 6p21.32.
Variant type: Deletion.
Identifiers: ClinVar variation 3246001 (VCV003246001.1).

ClinVar aggregate classification (germline): Likely pathogenic (1 of 4 stars; one submission).

Conditions:
Proteosome-associated autoinflammatory syndrome. Also called: Proteasome-associated autoinflammatory syndrome. Identifiers: Orphanet 324977, MedGen C1850568, MONDO:0009726.

Submission:

Labcorp Genetics (formerly Invitae), Labcorp
Classification: Likely pathogenic for Proteosome-associated autoinflammatory syndrome. Last evaluated: 2023-03-18. Review status: criteria provided, single submitter. Criteria: Invitae Variant Classification Sherloc (09022015). Collection method: clinical testing. Allele origin: unknown.
Comment: This variant has not been reported in the literature in individuals affected with PSMB8-related conditions. This variant results in the deletion of part of exon 2 (c.147+288_227delins59) of the PSMB8 gene. It is expected to disrupt RNA splicing. Variants that disrupt the donor or acceptor splice site typically lead to a loss of protein function (PMID: 16199547), and loss-of-function variants in PSMB8 are known to be pathogenic (PMID: 26524591). In summary, the currently available evidence indicates that the variant is pathogenic, but additional data are needed to prove that conclusively. Therefore, this variant has been classified as Likely Pathogenic.

Literature cited by the submitters: PubMed 16199547; PubMed 26524591.